The following is an entry in ClinVar:

NM_001386298.1(CIC):c.1357C>A (p.Arg453Ser)

Gene: CIC (capicua transcriptional repressor; plus strand). Cytogenetic location: 19q13.2.
Variant type: single nucleotide variant.
Coding change: c.1357C>A on transcript NM_001386298.1 (MANE Select); coding-DNA position 1357, C replaced by A.
Protein change: p.Arg453Ser; replaces arginine 453 with serine.
Molecular consequence: missense variant. On other transcripts: genic upstream transcript variant (1).
Genome position (GRCh38, 1-based): chr19:42,273,140, C>A. VCF-style: chr19-42273140-C-A. GRCh37 (hg19) VCF-style: chr19-42777292-C-A.
Other names: c.1357C>A, p.Arg453Ser (NM_001304815.2, NM_001379480.1, NM_001379482.1); c.-11565C>A (NM_015125.5); short protein forms R453S.
Identifiers: ClinVar variation 3629764 (VCV003629764.1).
Genomic context (GRCh38, chr19:42,273,140, plus strand): 5'-GGCCCCGGCCGCCCTGGCGAGCAGCCCTCGCCCTGCCAGGAGGGGAGCCAGGGCGGCAGC[C>A]GCAGCAGCAGCGTGGCCTCCCTGGAAAAGGGGACAGCACCGGCAGCCCGGGCCCGCACGC-3'
Protein context (NP_001373227.1, residues 443-463): PCQEGSQGGS[Arg453Ser]SSSVASLEKG

ClinVar aggregate classification (germline): Uncertain significance (1 of 4 stars; one submission).

Submission:

Women's Health and Genetics/Laboratory Corporation of America, LabCorp
Classification: Uncertain significance. Last evaluated: 2024-11-08. Review status: criteria provided, single submitter. Criteria: LabCorp Variant Classification Summary - May 2015. Collection method: clinical testing. Allele origin: germline.
Comment: Variant summary: CIC c.-11565C>A (also known as c.1357C>A; p.Arg453Ser on NM_001304815) is located in the untranscribed region upstream of the CIC gene region. The variant was absent in 31332 control chromosomes (gnomAD). The available data on variant occurrences in the general population are insufficient to allow any conclusion about variant significance. To our knowledge, no occurrence of c.-11565C>A in individuals affected with Mental Retardation, Autosomal Dominant 45 and no experimental evidence demonstrating its impact on protein function have been reported. No submitters have cited clinical-significance assessments for this variant to ClinVar. Based on the evidence outlined above, the variant was classified as uncertain significance.